The following is an entry in ClinVar:

ClinVar aggregate classification (germline): Pathogenic (1 of 4 stars; one submission).

Conditions:
Duchenne muscular dystrophy (DMD). Also called: MUSCULAR DYSTROPHY, PSEUDOHYPERTROPHIC PROGRESSIVE, DUCHENNE TYPE; Duchenne Muscular Dystrophy (DMD). Identifiers: Orphanet 98896, MedGen C0013264, MONDO:0010679, OMIM 310200.

Submission:

Labcorp Genetics (formerly Invitae), Labcorp
Classification: Pathogenic for Duchenne muscular dystrophy. Last evaluated: 2025-07-09. Review status: criteria provided, single submitter. Criteria: Invitae Variant Classification Sherloc (09022015). Collection method: clinical testing. Allele origin: germline.
Comment: This sequence change creates a premature translational stop signal (p.Gly394Leufs*11) in the DMD gene. It is expected to result in an absent or disrupted protein product. Loss-of-function variants in DMD are known to be pathogenic (PMID: 16770791, 25007885). This variant is not present in population databases (gnomAD no frequency). This variant has not been reported in the literature in individuals affected with DMD-related conditions. For these reasons, this variant has been classified as Pathogenic.

Literature cited by the submitters: PubMed 16770791; PubMed 25007885.

NM_004006.3(DMD):c.1180_1186del (p.Gly394fs)

Gene: DMD (dystrophin; minus strand). Cytogenetic location: Xp21.1.
Variant type: Deletion.
Coding change: c.1180_1186del on transcript NM_004006.3 (MANE Select); coding-DNA positions 1180 to 1186, 7 bases deleted (GGCCGGG; older notation c.1180_1186delGGCCGGG).
Protein change: p.Gly394fs; shifts the reading frame from glycine 394.
Molecular consequence: frameshift variant.
Genome position (GRCh38, 1-based): chrX:32,644,277-32,644,283, CCCGGCC deleted on the plus strand (GGCCGGG on the coding strand, the reverse complement: DMD is on the minus strand); deleting any 7 consecutive bases within chrX:32,644,277-32,644,284 gives the same sequence; the c. name uses the placement nearest the transcript's 3' end. VCF-style (leftmost placement, unchanged base first): chrX-32644276-ACCCGGCC-A. GRCh37 (hg19) VCF-style: chrX-32662393-ACCCGGCC-A.
Other names: c.1156_1162del, p.Gly386fs (NM_000109.4); c.1168_1174del, p.Gly390fs (NM_004009.3); c.811_817del, p.Gly271fs (NM_004010.3); short protein forms G271fs, G386fs, G390fs, G394fs.
Identifiers: ClinVar variation 4720180 (VCV004720180.1).